The following is an entry in ClinVar:

ClinVar aggregate classification (germline): Pathogenic (1 of 4 stars; one submission).

Conditions:
Cornelia de Lange syndrome 1 (CDLS1). Also called: TYPUS DEGENERATIVUS AMSTELODAMENSIS; Brachmann de Lange syndrome; NIPBL-Related Cornelia de Lange Syndrome. Identifiers: Orphanet 199, MedGen C4551851, MONDO:0007387, OMIM 122470.

Submission:

Labcorp Genetics (formerly Invitae), Labcorp
Classification: Pathogenic for Cornelia de Lange syndrome 1. Last evaluated: 2025-06-24. Review status: criteria provided, single submitter. Criteria: Invitae Variant Classification Sherloc (09022015). Collection method: clinical testing. Allele origin: germline.
Comment: This sequence change replaces glycine, which is neutral and non-polar, with valine, which is neutral and non-polar, at codon 2360 of the NIPBL protein (p.Gly2360Val). This variant is not present in population databases (gnomAD no frequency). This missense change has been observed in individual(s) with NIPBL-related conditions (PMID: 31337854). In at least one individual the variant was observed to be de novo. Invitae Evidence Modeling of protein sequence and biophysical properties (such as structural, functional, and spatial information, amino acid conservation, physicochemical variation, residue mobility, and thermodynamic stability) indicates that this missense variant is expected to disrupt NIPBL protein function with a positive predictive value of 95%. For these reasons, this variant has been classified as Pathogenic.

Literature cited by the submitters: PubMed 31337854.

NM_133433.4(NIPBL):c.7079G>T (p.Gly2360Val)

Gene: NIPBL (NIPBL cohesin loading factor; plus strand). Cytogenetic location: 5p13.2.
Variant type: single nucleotide variant.
Coding change: c.7079G>T on transcript NM_133433.4 (MANE Select); coding-DNA position 7079, G replaced by T.
Protein change: p.Gly2360Val; replaces glycine 2360 with valine.
Molecular consequence: missense variant.
Genome position (GRCh38, 1-based): chr5:37,052,382, G>T. VCF-style: chr5-37052382-G-T. GRCh37 (hg19) VCF-style: chr5-37052484-G-T.
Other names: c.7079G>T, p.Gly2360Val (NM_001438586.1, NM_015384.5); short protein forms G2360V.
Identifiers: ClinVar variation 4694673 (VCV004694673.1).